The following is an entry in ClinVar:

NM_133642.5(LARGE1):c.73A>G (p.Thr25Ala)

Gene: LARGE1 (LARGE xylosyl- and glucuronyltransferase 1; minus strand). Cytogenetic location: 22q12.3.
Variant type: single nucleotide variant.
Coding change: c.73A>G on transcript NM_133642.5 (MANE Select); coding-DNA position 73, A replaced by G.
Protein change: p.Thr25Ala; replaces threonine 25 with alanine.
Molecular consequence: missense variant.
Genome position (GRCh38, 1-based): chr22:33,761,404, T>C on the plus strand (A>G on the coding strand, the complement: LARGE1 is on the minus strand). VCF-style: chr22-33761404-T-C. GRCh37 (hg19) VCF-style: chr22-34157391-T-C.
Other names: c.73A>G, p.Thr25Ala (NM_001362949.2, NM_001362951.2, NM_001362953.2 and 7 more transcripts); short protein forms T25A.
Identifiers: ClinVar variation 464479 (VCV000464479.9), dbSNP rs1556032013, ClinGen allele CA411547187.

ClinVar aggregate classification (germline): Uncertain significance (1 of 4 stars; one submission).

Conditions:
Muscular dystrophy-dystroglycanopathy type B6 (MDDGB6). Also called: MUSCULAR DYSTROPHY-DYSTROGLYCANOPATHY (CONGENITAL WITH IMPAIRED INTELLECTUAL DEVELOPMENT), TYPE B, 6; MUSCULAR DYSTROPHY, CONGENITAL, LARGE-RELATED; MUSCULAR DYSTROPHY, CONGENITAL, TYPE 1D. Identifiers: MedGen C1837229, MONDO:0012138, OMIM 608840.

Submission:

Labcorp Genetics (formerly Invitae), Labcorp
Classification: Uncertain significance for Muscular dystrophy-dystroglycanopathy type B6. Last evaluated: 2022-06-08. Review status: criteria provided, single submitter. Criteria: Invitae Variant Classification Sherloc (09022015). Collection method: clinical testing. Allele origin: germline.
Comment: In summary, the available evidence is currently insufficient to determine the role of this variant in disease. Therefore, it has been classified as a Variant of Uncertain Significance. Algorithms developed to predict the effect of missense changes on protein structure and function are either unavailable or do not agree on the potential impact of this missense change (SIFT: "Deleterious"; PolyPhen-2: "Benign"; Align-GVGD: "Class C0"). ClinVar contains an entry for this variant (Variation ID: 464479). This variant has not been reported in the literature in individuals affected with LARGE1-related conditions. This variant is not present in population databases (gnomAD no frequency). This sequence change replaces threonine, which is neutral and polar, with alanine, which is neutral and non-polar, at codon 25 of the LARGE1 protein (p.Thr25Ala).